The following is an entry in ClinVar:

ClinVar aggregate classification (germline): Pathogenic (1 of 4 stars; one submission).

Submission:

Labcorp Genetics (formerly Invitae), Labcorp
Classification: Pathogenic. Last evaluated: 2023-11-10. Review status: criteria provided, single submitter. Criteria: Invitae Variant Classification Sherloc (09022015). Collection method: clinical testing. Allele origin: germline.
Comment: This sequence change replaces methionine, which is neutral and non-polar, with isoleucine, which is neutral and non-polar, at codon 61 of the ABCA4 protein (p.Met61Ile). This variant is not present in population databases (gnomAD no frequency). This missense change has been observed in individuals with Stargardt disease (PMID: 29925512). Advanced modeling of protein sequence and biophysical properties (such as structural, functional, and spatial information, amino acid conservation, physicochemical variation, residue mobility, and thermodynamic stability) performed at Invitae indicates that this missense variant is expected to disrupt ABCA4 protein function with a positive predictive value of 95%. This variant disrupts the p.Met61 amino acid residue in ABCA4. Other variant(s) that disrupt this residue have been determined to be pathogenic (PMID: 32036094). This suggests that this residue is clinically significant, and that variants that disrupt this residue are likely to be disease-causing. For these reasons, this variant has been classified as Pathogenic.

Literature cited by the submitters: PubMed 29925512; PubMed 32036094.

NM_000350.3(ABCA4):c.183G>A (p.Met61Ile)

Gene: ABCA4 (ATP binding cassette subfamily A member 4; minus strand). Cytogenetic location: 1p22.1.
Variant type: single nucleotide variant.
Coding change: c.183G>A on transcript NM_000350.3 (MANE Select); coding-DNA position 183, G replaced by A.
Protein change: p.Met61Ile; replaces methionine 61 with isoleucine.
Molecular consequence: missense variant.
Genome position (GRCh38, 1-based): chr1:94,111,557, C>T on the plus strand (G>A on the coding strand, the complement: ABCA4 is on the minus strand). VCF-style: chr1-94111557-C-T. GRCh37 (hg19) VCF-style: chr1-94577113-C-T.
Other names: c.183G>A, p.Met61Ile (NM_001425324.1); short protein forms M61I.
Identifiers: ClinVar variation 2694993 (VCV002694993.3), dbSNP rs750987349, ClinGen allele CA341285598.
Genomic context (GRCh38, chr1:94,111,557, plus strand): 5'-ACAGGGATTGTTCACATTGCAGAAGATCCCCTGGAGCCACGGCAGCATTCCTGCTGAGGG[C>T]ATCGCCTTGTTGGGGAAATGGCCTTTAAAACAGAAAATGAGGACAAGACGGGATTAGTCA-3'
Protein context (NP_000341.2, residues 51-71): HHECHFPNKA[Met61Ile]PSAGMLPWLQ